The following is an entry in ClinVar:

ClinVar aggregate classification (germline): Uncertain significance. Review status: criteria provided, multiple submitters, no conflicts (2 of 4 stars). 4 submissions from 4 submitters: Uncertain significance (3). 1 of the submissions does not count toward it. Last evaluated 2024-09-06.

Allele frequency attached by ClinVar (database versions not stated): TOPMed below 0.00001; ExAC 0.00001; gnomAD 0.00001; gnomAD exomes 0.00001.
gnomAD v4.1: 12 of 1,613,988 alleles (0.00074%); highest among the groups gnomAD compares: African/African-American, 0.0013%; no homozygotes.

Submissions (4):

Women's Health and Genetics/Laboratory Corporation of America, LabCorp
Classification: Uncertain significance. Last evaluated: 2024-09-06. Review status: criteria provided, single submitter. Criteria: LabCorp Variant Classification Summary - May 2015. Collection method: clinical testing. Allele origin: germline.
Comment: Variant summary: ABCA4 c.997C>T (p.Arg333Trp) results in a non-conservative amino acid change in the encoded protein sequence. Five of five in-silico tools predict a damaging effect of the variant on protein function. The variant allele was found at a frequency of 8e-06 in 251098 control chromosomes. The available data on variant occurrences in the general population are insufficient to allow any conclusion about variant significance. c.997C>T has been reported in the literature in at least one individual affected with Stargardt disease (Webster_2001). These report(s) do not provide unequivocal conclusions about association of the variant with Retinitis Pigmentosa. To our knowledge, no experimental evidence demonstrating an impact on protein function has been reported. The following publication have been ascertained in the context of this evaluation (PMID: 11328725). ClinVar contains an entry for this variant (Variation ID: 99520). Based on the evidence outlined above, the variant was classified as uncertain significance.

Labcorp Genetics (formerly Invitae), Labcorp
Classification: Uncertain significance. Last evaluated: 2021-09-01. Review status: criteria provided, single submitter. Criteria: Invitae Variant Classification Sherloc (09022015). Collection method: clinical testing. Allele origin: germline.
Comment: This sequence change replaces arginine with tryptophan at codon 333 of the ABCA4 protein (p.Arg333Trp). The arginine residue is highly conserved and there is a moderate physicochemical difference between arginine and tryptophan. This variant is present in population databases (rs61748546, ExAC 0.01%). This missense change has been observed in individual(s) with Stargardt disease (PMID: 11328725). ClinVar contains an entry for this variant (Variation ID: 99520). Advanced modeling of protein sequence and biophysical properties (such as structural, functional, and spatial information, amino acid conservation, physicochemical variation, residue mobility, and thermodynamic stability) performed at Invitae indicates that this missense variant is expected to disrupt ABCA4 protein function. In summary, the available evidence is currently insufficient to determine the role of this variant in disease. Therefore, it has been classified as a Variant of Uncertain Significance.

Blueprint Genetics
Classification: Uncertain significance. Last evaluated: 2020-11-06. Review status: criteria provided, single submitter. Criteria: ACMG Guidelines, 2015. Collection method: clinical testing. Allele origin: germline.

Retina International
No classification provided. Review status: no classification provided. Collection method: not provided. Allele origin: not provided. Not counted in ClinVar's aggregate classification.

Literature cited by the submitters: PubMed 11328725 (cited by Women's Health and Genetics/Laboratory Corporation of America, LabCorp and Labcorp Genetics (formerly Invitae), Labcorp).

NM_000350.3(ABCA4):c.997C>T (p.Arg333Trp)

Gene: ABCA4 (ATP binding cassette subfamily A member 4; minus strand). Cytogenetic location: 1p22.1.
Variant type: single nucleotide variant.
Coding change: c.997C>T on transcript NM_000350.3 (MANE Select); coding-DNA position 997, C replaced by T.
Protein change: p.Arg333Trp; replaces arginine 333 with tryptophan.
Molecular consequence: missense variant.
Genome position (GRCh38, 1-based): chr1:94,080,580, G>A on the plus strand (C>T on the coding strand, the complement: ABCA4 is on the minus strand). VCF-style: chr1-94080580-G-A. GRCh37 (hg19) VCF-style: chr1-94546136-G-A.
Other names: c.997C>T, p.Arg333Trp (NM_001425324.1); short protein forms R333W.
Identifiers: ClinVar variation 99520 (VCV000099520.9), dbSNP rs61748546, ClinGen allele CA227480.
Genomic context (GRCh38, chr1:94,080,580, plus strand): 5'-AGTCAATCCCCAGAAAGGCCTTATAGTTATTGTCTTCATACCAGTTGAAGGAGAGCACCC[G>A]AGAGCCACCTCCCTCGGGGTAGCCACACAGGAGGTCAGACAGGATGCCCATCAGCTTTGT-3'
Protein context (NP_000341.2, residues 323-343): LCGYPEGGGS[Arg333Trp]VLSFNWYEDN